The following is an entry in ClinVar:

ClinVar aggregate classification (germline): Uncertain significance (1 of 4 stars; one submission).

Conditions:
Hereditary spastic paraplegia 30. Identifiers: Orphanet 101010, MedGen C5235139, MONDO:0012476.
Neuropathy, hereditary sensory, type 2C. Also called: Hereditary sensory and autonomic neuropathy type IIC; KIF1A-Related HSAN2 (HSAN2C). Identifiers: Orphanet 970, MedGen C3280168, MONDO:0013634, OMIM 614213.
Intellectual disability, autosomal dominant 9 (NESCAVS). Also called: NESCAV SYNDROME; KIF1A-Related Neurodevelopmental Disorder. Identifiers: Orphanet 662367, MedGen C5393830, MONDO:0013656, OMIM 614255.

Allele frequency attached by ClinVar (database versions not stated): gnomAD exomes below 0.00001.
gnomAD v4.1: 4 of 1,612,536 alleles (0.00025%); highest among the groups gnomAD compares: East Asian, 0.0022%; no homozygotes.

Submission:

Labcorp Genetics (formerly Invitae), Labcorp
Classification: Uncertain significance for Hereditary spastic paraplegia 30; Neuropathy, hereditary sensory, type 2C; Intellectual disability, autosomal dominant 9. Last evaluated: 2022-06-03. Review status: criteria provided, single submitter. Criteria: Invitae Variant Classification Sherloc (09022015). Collection method: clinical testing. Allele origin: germline.
Comment: Algorithms developed to predict the effect of missense changes on protein structure and function are either unavailable or do not agree on the potential impact of this missense change (SIFT: "Tolerated"; PolyPhen-2: "Possibly Damaging"; Align-GVGD: "Class C0"). ClinVar contains an entry for this variant (Variation ID: 1412907). This variant has not been reported in the literature in individuals affected with KIF1A-related conditions. This variant is not present in population databases (gnomAD no frequency). This sequence change replaces aspartic acid, which is acidic and polar, with asparagine, which is neutral and polar, at codon 893 of the KIF1A protein (p.Asp893Asn). In summary, the available evidence is currently insufficient to determine the role of this variant in disease. Therefore, it has been classified as a Variant of Uncertain Significance.

NM_001244008.2(KIF1A):c.2980G>A (p.Asp994Asn)

Gene: KIF1A (kinesin family member 1A; minus strand). Cytogenetic location: 2q37.3.
Variant type: single nucleotide variant.
Coding change: c.2980G>A on transcript NM_001244008.2 (MANE Select); coding-DNA position 2980, G replaced by A.
Protein change: p.Asp994Asn; replaces aspartic acid 994 with asparagine.
Molecular consequence: missense variant.
Genome position (GRCh38, 1-based): chr2:240,747,319, C>T on the plus strand (G>A on the coding strand, the complement: KIF1A is on the minus strand). VCF-style: chr2-240747319-C-T. GRCh37 (hg19) VCF-style: chr2-241686736-C-T.
Other names: c.2704G>A, p.Asp902Asn (NM_001320705.2, NM_001330289.2, NM_001379638.1); c.2779G>A, p.Asp927Asn (NM_001330290.2, NM_001379634.1, NM_001379635.1 and 1 more transcripts); c.3055G>A, p.Asp1019Asn (NM_001379631.1); c.2929G>A, p.Asp977Asn (NM_001379632.1); c.2953G>A, p.Asp985Asn (NM_001379633.1, NM_001379642.1, NM_001379645.1); c.2677G>A, p.Asp893Asn (NM_001379636.1, NM_001379639.1, NM_001379640.1 and 6 more transcripts); c.2752G>A, p.Asp918Asn (NM_001379637.1, NM_001379648.1); short protein forms D927N, D977N, D1019N, D902N, D918N, D985N, D893N, D994N.
Identifiers: ClinVar variation 1412907 (VCV001412907.8), dbSNP rs2048715379, ClinGen allele CA351319447.